The following is an entry in ClinVar:

ClinVar aggregate classification (germline): Likely benign (1 of 4 stars; one submission).

gnomAD v4.1: 6 of 1,229,586 alleles (0.00049%); highest among the groups gnomAD compares: Non-Finnish European, 0.00062%; no homozygotes.

Submission:

Mayo Clinic Laboratories, Mayo Clinic
Classification: Likely benign. Last evaluated: 2025-05-22. Review status: criteria provided, single submitter. Criteria: ACMG Guidelines, 2015. Collection method: clinical testing. Allele origin: germline. Observed: 1 variant allele.
Comment: BP4, BP7

NM_002168.4(IDH2):c.115+7G>A

Genes: IDH2 (isocitrate dehydrogenase (NADP(+)) 2; minus strand), IDH2-DT (IDH2 divergent transcript; plus strand). Cytogenetic location: 15q26.1.
Variant type: single nucleotide variant.
Coding change: c.115+7G>A on transcript NM_002168.4 (MANE Select); 7 bases into the intron after coding-DNA position 115, G replaced by A.
Molecular consequence: intron variant. On other transcripts: non-coding transcript variant (1).
Genome position (GRCh38, 1-based): chr15:90,102,269, C>T on the plus strand (G>A on the coding strand, the complement: IDH2 is on the minus strand). VCF-style: chr15-90102269-C-T. GRCh37 (hg19) VCF-style: chr15-90645501-C-T.
Other names: p.?; c.-18+7G>A (NM_001290114.2).
Identifiers: ClinVar variation 4684029 (VCV004684029.1).